The following is an entry in ClinVar:

ClinVar aggregate classification (germline): Uncertain significance (1 of 4 stars; one submission).

Submission:

Labcorp Genetics (formerly Invitae), Labcorp
Classification: Uncertain significance. Last evaluated: 2025-07-28. Review status: criteria provided, single submitter. Criteria: Invitae Variant Classification Sherloc (09022015). Collection method: clinical testing. Allele origin: germline.
Comment: This sequence change creates a premature translational stop signal (p.Ala537Argfs*217) in the KIAA1161 gene. While this is not anticipated to result in nonsense mediated decay, it is expected to disrupt the last 178 amino acid(s) of the KIAA1161 protein. This variant is not present in population databases (gnomAD no frequency). This variant has not been reported in the literature in individuals affected with KIAA1161-related conditions. ClinVar contains an entry for this variant (Variation ID: 2000490). In summary, the available evidence is currently insufficient to determine the role of this variant in disease. Therefore, it has been classified as a Variant of Uncertain Significance.

NM_020702.5(MYORG):c.1608del (p.Ala537fs)

Gene: MYORG (myogenesis regulating glycosidase; minus strand). Cytogenetic location: 9p13.3.
Variant type: Deletion.
Coding change: c.1608del on transcript NM_020702.5 (MANE Select); coding-DNA position 1608, one base deleted (C; older notation c.1608delC).
Protein change: p.Ala537fs; shifts the reading frame from alanine 537.
Molecular consequence: frameshift variant.
Genome position (GRCh38, 1-based): chr9:34,371,336, G deleted on the plus strand (C on the coding strand, the reverse complement: MYORG is on the minus strand); the first of 4 consecutive G bases (chr9:34,371,336-34,371,339); deleting any one gives the same sequence. VCF-style (leftmost placement, unchanged base first): chr9-34371335-CG-C. GRCh37 (hg19) VCF-style: chr9-34371333-CG-C.
Other names: short protein forms A537fs.
Identifiers: ClinVar variation 2000490 (VCV002000490.4), dbSNP rs2491649925, ClinGen allele CA2580080427.
Genomic context (GRCh38, chr9:34,371,335, plus strand): 5'-TGCCGCCCACCATATCGGGTAGGATGAATGGGTAGCCCAGCATGCTGACGGTGAGCACCG[CG>C]GGGATGAGTGAGCGCAACCCCAGGTCGTAGCCCCACACAGAGTCGCGATCCACCAGGCGG-3'